The following is an entry in ClinVar:

ClinVar aggregate classification (germline): Likely benign (0 of 4 stars; one submission).

Conditions:
SLC30A2-related disorder. Also called: SLC30A2-related condition.

Allele frequency attached by ClinVar (database versions not stated): ExAC 0.00001; gnomAD 0.00001; gnomAD exomes 0.00001; TOPMed 0.00002.
gnomAD v4.1: 14 of 1,613,988 alleles (0.00087%); highest among the groups gnomAD compares: East Asian, 0.013%; no homozygotes.

Submission:

PreventionGenetics, part of Exact Sciences
Classification: Likely benign for SLC30A2-related condition. Last evaluated: 2019-12-16. Review status: no assertion criteria provided. Collection method: clinical testing. Allele origin: germline.
Comment: This variant is classified as likely benign based on ACMG/AMP sequence variant interpretation guidelines (Richards et al. 2015 PMID: 25741868, with internal and published modifications).

NM_001004434.3(SLC30A2):c.615C>T (p.His205=)

Gene: SLC30A2 (solute carrier family 30 member 2; minus strand). Cytogenetic location: 1p36.11.
Variant type: single nucleotide variant.
Coding change: c.615C>T on transcript NM_001004434.3 (MANE Select); coding-DNA position 615, C replaced by T.
Protein change: p.His205=; no amino-acid change (histidine 205 retained).
Molecular consequence: synonymous variant.
Genome position (GRCh38, 1-based): chr1:26,042,666, G>A on the plus strand (C>T on the coding strand, the complement: SLC30A2 is on the minus strand). VCF-style: chr1-26042666-G-A. GRCh37 (hg19) VCF-style: chr1-26369157-G-A.
Other names: c.468C>T, p.His156= (NM_032513.5).
Identifiers: ClinVar variation 3056947 (VCV003056947.2), dbSNP rs754255821, ClinGen allele CA699225.